The following is an entry in ClinVar:

ClinVar aggregate classification (germline): Pathogenic (1 of 4 stars; one submission).

Conditions:
Tuberous sclerosis 2 (TSC2). Identifiers: Orphanet 805, MedGen C1860707, MONDO:0013199, OMIM 613254.

Submission:

Labcorp Genetics (formerly Invitae), Labcorp
Classification: Pathogenic for Tuberous sclerosis 2. Last evaluated: 2022-10-10. Review status: criteria provided, single submitter. Criteria: Invitae Variant Classification Sherloc (09022015). Collection method: clinical testing. Allele origin: germline.
Comment: This variant has not been reported in the literature in individuals affected with TSC2-related conditions. This variant is a gross deletion of the genomic region encompassing exon(s) 26-36 of the TSC2 gene. This deletion is out-of-frame, and is expected to create a premature termination codon and result in an absent or disrupted protein product. Loss-of-function variants in TSC2 are known to be pathogenic (PMID: 10205261, 17304050). For these reasons, this variant has been classified as Pathogenic.

Literature cited by the submitters: PubMed 10205261; PubMed 17304050.

NC_000016.9:g.(?_2127477)_(2135343_?)del

Gene: TSC2 (TSC complex subunit 2; plus strand). Cytogenetic location: 16p13.3.
Variant type: Deletion.
Identifiers: ClinVar variation 2423290 (VCV002423290.4).